The following is an entry in ClinVar:

NM_019023.5(PRMT7):c.1489C>T (p.Arg497Trp)

Gene: PRMT7 (protein arginine methyltransferase 7; plus strand). Cytogenetic location: 16q22.1.
Variant type: single nucleotide variant.
Coding change: c.1489C>T on transcript NM_019023.5 (MANE Select); coding-DNA position 1489, C replaced by T.
Protein change: p.Arg497Trp; replaces arginine 497 with tryptophan.
Molecular consequence: missense variant. On other transcripts: non-coding transcript variant (12), intron variant (1).
Genome position (GRCh38, 1-based): chr16:68,352,323, C>T. VCF-style: chr16-68352323-C-T. GRCh37 (hg19) VCF-style: chr16-68386226-C-T.
Other names: c.1339C>T, p.Arg447Trp (NM_001184824.4); c.1489C>T, p.Arg497Trp (NM_001290018.2, NM_001351143.3, NM_001378018.1); c.1282C>T, p.Arg428Trp (NM_001378020.1); c.1252C>T, p.Arg418Trp (NM_001378021.1, NM_001378022.1, NM_001378023.1); c.1481+8C>T (NM_001351144.3); short protein forms R428W, R447W, R497W, R418W.
Identifiers: ClinVar variation 931778 (VCV000931778.8), dbSNP rs1201730206, ClinGen allele CA396439725.
Genomic context (GRCh38, chr16:68,352,323, plus strand): 5'-GGCGAGCCGTTCTTCACTACCAGCCTGCTGCCGTGGCACAACCTCTACTTCTGGTACGTG[C>T]GGACCGCTGTGGACCAGCACCTGGGGCCAGGTGCCATGGTGATGCCCCAGGCAGCCTCGC-3'
Protein context (NP_061896.1, residues 487-507): PWHNLYFWYV[Arg497Trp]TAVDQHLGPG

ClinVar aggregate classification (germline): Uncertain significance. Review status: criteria provided, multiple submitters, no conflicts (2 of 4 stars). 2 submissions from 2 submitters: Uncertain significance (2). Last evaluated 2025-07-14.

Conditions:
Short stature-brachydactyly-obesity-global developmental delay syndrome. Also called: SHORT STATURE, BRACHYDACTYLY, IMPAIRED INTELLECTUAL DEVELOPMENT, AND SEIZURES; Short stature, brachydactyly, intellectual developmental disability, and seizures. Identifiers: Orphanet 464288, MedGen C4310689, MONDO:0014944, OMIM 617157.

Allele frequency attached by ClinVar (database versions not stated): gnomAD exomes 0.00001; TOPMed 0.00001; gnomAD 0.00003.
gnomAD v4.1: 21 of 1,613,074 alleles (0.0013%); highest among the groups gnomAD compares: African/African-American, 0.0053%; no homozygotes.

Submissions (2):

Labcorp Genetics (formerly Invitae), Labcorp
Classification: Uncertain significance. Last evaluated: 2025-07-14. Review status: criteria provided, single submitter. Criteria: Invitae Variant Classification Sherloc (09022015). Collection method: clinical testing. Allele origin: germline.
Comment: This sequence change replaces arginine, which is basic and polar, with tryptophan, which is neutral and slightly polar, at codon 497 of the PRMT7 protein (p.Arg497Trp). This variant is present in population databases (no rsID available, gnomAD 0.004%). This variant has not been reported in the literature in individuals affected with PRMT7-related conditions. ClinVar contains an entry for this variant (Variation ID: 931778). Invitae Evidence Modeling of protein sequence and biophysical properties (such as structural, functional, and spatial information, amino acid conservation, physicochemical variation, residue mobility, and thermodynamic stability) indicates that this missense variant is not expected to disrupt PRMT7 protein function with a negative predictive value of 80%. In summary, the available evidence is currently insufficient to determine the role of this variant in disease. Therefore, it has been classified as a Variant of Uncertain Significance.

Centre for Mendelian Genomics, University Medical Centre Ljubljana
Classification: Uncertain significance for Short stature-brachydactyly-obesity-global developmental delay syndrome. Last evaluated: 2020-03-24. Review status: criteria provided, single submitter. Criteria: ACMG Guidelines, 2015. Collection method: clinical testing. Allele origin: unknown. Affected: yes.
Comment: This variant was classified as: Uncertain significance. The available evidence on this variant's pathogenicity is insufficient or conflicting. The following ACMG criteria were applied in classifying this variant: PM2.